The following is an entry in ClinVar:

NM_004863.4(SPTLC2):c.*2962C>T

Gene: SPTLC2 (serine palmitoyltransferase long chain base subunit 2; minus strand). Cytogenetic location: 14q24.3.
Variant type: single nucleotide variant.
Coding change: c.*2962C>T on transcript NM_004863.4 (MANE Select); 2962 bases downstream of the stop codon, C replaced by T.
Molecular consequence: 3 prime UTR variant.
Genome position (GRCh38, 1-based): chr14:77,509,322, G>A on the plus strand (C>T on the coding strand, the complement: SPTLC2 is on the minus strand). VCF-style: chr14-77509322-G-A. GRCh37 (hg19) VCF-style: chr14-77975665-G-A.
Identifiers: ClinVar variation 885012 (VCV000885012.4), dbSNP rs561137941, ClinGen allele CA263820102.

ClinVar aggregate classification (germline): Benign (1 of 4 stars; one submission).

Conditions:
Neuropathy, hereditary sensory and autonomic, type 1C. Also called: HSAN IC; HSN IC. Identifiers: Orphanet 36386, MedGen C3150896, MONDO:0013337, OMIM 613640.

Allele frequency attached by ClinVar (database versions not stated): 1000 Genomes Project 30x 0.00094; 1000 Genomes Project 0.00100; gnomAD 0.00045 and 0.00046; TOPMed 0.00050.

Submission:

Illumina Laboratory Services, Illumina
Classification: Benign for Neuropathy, hereditary sensory and autonomic, type 1C. Last evaluated: 2018-01-13. Review status: criteria provided, single submitter. Criteria: ICSL Variant Classification Criteria 13 December 2019. Collection method: clinical testing. Allele origin: germline.
Comment: This variant was observed in the ICSL laboratory as part of a predisposition screen in an ostensibly healthy population. It had not been previously curated by ICSL or reported in the Human Gene Mutation Database (HGMD: prior to June 1st, 2018), and was therefore a candidate for classification through an automated scoring system. Utilizing variant allele frequency, disease prevalence and penetrance estimates, and inheritance mode, an automated score was calculated to assess if this variant is too frequent to cause the disease. Based on the score and internal cut-off values, a variant classified as benign is not then subjected to further curation. The score for this variant resulted in a classification of benign for this disease.